The following is an entry in ClinVar:

ClinVar aggregate classification (germline): Conflicting classifications of pathogenicity. Review status: criteria provided, conflicting classifications (1 of 4 stars). 6 submissions from 6 submitters: Pathogenic (1); Likely pathogenic (2); Uncertain significance (3). Last evaluated 2025-09-02.

Conditions:
Abnormality of the nervous system. Also called: Congenital nervous system disorder. Identifiers: MedGen C0497552, MONDO:0002320, HP:0000707.
PLA2G6-associated neurodegeneration (PLAN). Also called: phospholipase A2-associated neurodegeneration. Identifiers: Orphanet 329303, MedGen CN204472, MONDO:0017998.
Infantile neuroaxonal dystrophy (NBIA2A). Also called: Infantile neuroaxonal dystrophy 1; NEURODEGENERATION WITH BRAIN IRON ACCUMULATION 2A; SEITELBERGER DISEASE. Identifiers: Orphanet 35069, MedGen C0270724, MONDO:0024457, OMIM 256600.

Allele frequency attached by ClinVar (database versions not stated): gnomAD 0.00001; gnomAD exomes 0.00001; TOPMed 0.00001.
gnomAD v4.1: 10 of 1,531,028 alleles (0.00065%); highest among the groups gnomAD compares: African/African-American, 0.0014%; no homozygotes.

Submissions (6):

Labcorp Genetics (formerly Invitae), Labcorp
Classification: Pathogenic for Infantile neuroaxonal dystrophy. Last evaluated: 2025-09-02. Review status: criteria provided, single submitter. Criteria: Invitae Variant Classification Sherloc (09022015). Collection method: clinical testing. Allele origin: germline.
Comment: This sequence change replaces alanine, which is neutral and non-polar, with valine, which is neutral and non-polar, at codon 633 of the PLA2G6 protein (p.Ala633Val). The frequency data for this variant in the population databases is considered unreliable, as metrics indicate poor data quality at this position in the gnomAD database. This missense change has been observed in individual(s) with PLA2G6-related conditions (PMID: 28295203, 34622992, 38374194; internal data). In at least one individual the data is consistent with being in trans (on the opposite chromosome) from a pathogenic variant. ClinVar contains an entry for this variant (Variation ID: 1180788). Invitae Evidence Modeling of protein sequence and biophysical properties (such as structural, functional, and spatial information, amino acid conservation, physicochemical variation, residue mobility, and thermodynamic stability) indicates that this missense variant is not expected to disrupt PLA2G6 protein function with a negative predictive value of 80%. For these reasons, this variant has been classified as Pathogenic.

Women's Health and Genetics/Laboratory Corporation of America, LabCorp
Classification: Uncertain significance. Last evaluated: 2023-06-20. Review status: criteria provided, single submitter. Criteria: LabCorp Variant Classification Summary - May 2015. Collection method: clinical testing. Allele origin: germline.
Comment: Variant summary: PLA2G6 c.1898C>T (p.Ala633Val) results in a non-conservative amino acid change located in the Patatin-like phospholipase domain (IPR002641) of the encoded protein sequence. Four of five in-silico tools predict a damaging effect of the variant on protein function. The variant allele was found at a frequency of 1.5e-05 in 130428 control chromosomes. c.1898C>T has been reported in the literature in compound heterozygous individuals affected with atypical neuroaxonal dystrophy or parkinsonism (examples: Ozes_2017, Magrinelli_2022). These data indicate that the variant may be associated with disease. To our knowledge, no experimental evidence demonstrating an impact on protein function has been reported. The following publications have been ascertained in the context of this evaluation (PMID: 34622992, 28295203). Four submitters have cited clinical-significance assessments for this variant to ClinVar after 2014, classifying the variant as uncertain significance (n=2) or likely pathogenic (n=2). Based on the evidence outlined above, the variant was classified as VUS-possibly pathogenic.

Broad Center for Mendelian Genomics, Broad Institute of MIT and Harvard
Classification: Uncertain significance for PLA2G6-associated neurodegeneration. Last evaluated: 2023-01-24. Review status: criteria provided, single submitter. Criteria: ACMG Guidelines, 2015. Collection method: curation. Allele origin: germline. Inheritance: Autosomal recessive inheritance.
Comment: The p.Ala633Val variant in PLA2G6 has been reported in 2 individuals, in the compound heterozygous state, with PLA2G6-associated neurodegeneration (PMID: 34622992, 28295203) and has been identified in 0.01% (2/15920) of African/African American chromosomes by the Genome Aggregation Database (gnomAD; dbSNP ID: rs201657455). Although this variant has been seen in the general population in a heterozygous state, its frequency is not high enough to rule out a pathogenic role. This variant has also been reported in ClinVar (Variation ID#: 1180788) and has been interpreted as likely pathogenic by Kariminejad - Najmabadi Pathology & Genetics Center and GeneDx and as a variant of uncertain significance by CeGaT Praxis fuer Humangenetik Tuebingen. Computational prediction tools and conservation analyses suggest that this variant may impact the protein, though this information is not predictive enough to determine pathogenicity. In summary, the clinical significance of the p.Ala633Val variant is uncertain. ACMG/AMP Criteria applied: PP3 (Richards 2015).

GeneDx
Classification: Likely pathogenic. Last evaluated: 2022-11-05. Review status: criteria provided, single submitter. Criteria: GeneDx Variant Classification Process June 2021. Collection method: clinical testing. Allele origin: germline. Affected: yes.
Comment: Reported in a patient with atypical neuroaxonal dystrophy in published literature who has a second variant in the PLA2G6 gene (Ozes et al., 2017); Not observed at a significant frequency in large population cohorts (gnomAD); In silico analysis supports that this missense variant has a deleterious effect on protein structure/function; This variant is associated with the following publications: (PMID: 31196701, 34622992, 28295203)

CeGaT Center for Human Genetics Tuebingen
Classification: Uncertain significance. Last evaluated: 2021-09-01. Review status: criteria provided, single submitter. Criteria: CeGaT Center For Human Genetics Tuebingen Variant Classification Criteria Version 2. Collection method: clinical testing. Allele origin: germline. Affected: yes. Observed: 1 variant allele.

Kariminejad - Najmabadi Pathology & Genetics Center
Classification: Likely pathogenic for Abnormality of the nervous system. Last evaluated: 2021-07-10. Review status: criteria provided, single submitter. Criteria: ACMG Guidelines, 2015. Collection method: clinical testing. Allele origin: germline. Affected: yes.

Literature cited by the submitters: PubMed 28295203 (cited by Labcorp Genetics (formerly Invitae), Labcorp and Women's Health and Genetics/Laboratory Corporation of America, LabCorp); PubMed 34622992 (cited by Labcorp Genetics (formerly Invitae), Labcorp and Women's Health and Genetics/Laboratory Corporation of America, LabCorp); PubMed 38374194 (cited by Labcorp Genetics (formerly Invitae), Labcorp).

NM_003560.4(PLA2G6):c.1898C>T (p.Ala633Val)

Gene: PLA2G6 (phospholipase A2 group VI; minus strand). Cytogenetic location: 22q13.1.
Variant type: single nucleotide variant.
Coding change: c.1898C>T on transcript NM_003560.4 (MANE Select); coding-DNA position 1898, C replaced by T.
Protein change: p.Ala633Val; replaces alanine 633 with valine.
Molecular consequence: missense variant.
Genome position (GRCh38, 1-based): chr22:38,115,663, G>A on the plus strand (C>T on the coding strand, the complement: PLA2G6 is on the minus strand). VCF-style: chr22-38115663-G-A. GRCh37 (hg19) VCF-style: chr22-38511670-G-A.
Other names: NM_003560.4(PLA2G6):c.1898C>T; p.Ala633Val; c.1736C>T, p.Ala579Val (NM_001004426.3, NM_001199562.3, NM_001349865.2 and 1 more transcripts); c.1898C>T, p.Ala633Val (NM_001349864.2); c.1364C>T, p.Ala455Val (NM_001349867.2); c.1220C>T, p.Ala407Val (NM_001349868.2); c.1202C>T, p.Ala401Val (NM_001349869.2); short protein forms A401V, A407V, A455V, A579V, A633V.
Identifiers: ClinVar variation 1180788 (VCV001180788.64), dbSNP rs201657455, ClinGen allele CA324183528.
Genomic context (GRCh38, chr22:38,115,663, plus strand): 5'-CCGTCCAGGAAGCGCCCATTGGGTCGGAAGTAAGTAGGAGCTGCCCCGCTGCTTCGGGCC[G>A]CCCGCCACACCAGCTGGTCTAGGGGCGGGGAAGGAGGGCGGCCCAGTGGCACAAGGGACT-3'
Protein context (NP_003551.2, residues 623-643): AQPSDQLVWR[Ala633Val]ARSSGAAPTY